The following is an entry in ClinVar:

NM_005144.5(HR):c.1305T>C (p.Phe435=)

Gene: HR (HR lysine demethylase and nuclear receptor corepressor; minus strand). Cytogenetic location: 8p21.3.
Variant type: single nucleotide variant.
Coding change: c.1305T>C on transcript NM_005144.5 (MANE Select); coding-DNA position 1305, T replaced by C.
Protein change: p.Phe435=; no amino-acid change (phenylalanine 435 retained).
Molecular consequence: synonymous variant.
Genome position (GRCh38, 1-based): chr8:22,127,137, A>G on the plus strand (T>C on the coding strand, the complement: HR is on the minus strand). VCF-style: chr8-22127137-A-G. GRCh37 (hg19) VCF-style: chr8-21984650-A-G.
Other names: c.1305T>C, p.Phe435= (NM_018411.4).
Identifiers: ClinVar variation 362521 (VCV000362521.17), dbSNP rs12675745, ClinGen allele CA4662513.

ClinVar aggregate classification (germline): Benign/Likely benign. Review status: criteria provided, multiple submitters, no conflicts (2 of 4 stars). 8 submissions from 6 submitters: Benign (7); Likely benign (1). Last evaluated 2026-02-04.

Conditions:
Atrichia with papular lesions (APL). Also called: PAPULAR ATRICHIA. Identifiers: Orphanet 86819, MedGen C1859592, MONDO:0008847, OMIM 209500.
Alopecia universalis congenita (ALUNC). Also called: ATRICHIA, GENERALIZED. Identifiers: Orphanet 701, MedGen C1859877, MONDO:0008757, OMIM 203655.

Allele frequency attached by ClinVar (database versions not stated): 1000 Genomes Project 0.57927; 1000 Genomes Project 30x 0.57933; gnomAD exomes 0.60248 and 0.61622; ExAC 0.61231; TOPMed 0.62609; gnomAD 0.63230 and 0.63572; ESP Exome Variant Server 0.65180.
gnomAD v4.1: 995,730 of 1,611,568 alleles (62%); highest among the groups gnomAD compares: African/African-American, 70%; 309,781 homozygotes.

Submissions (8):

Labcorp Genetics (formerly Invitae), Labcorp
Classification: Benign. Last evaluated: 2026-02-04. Review status: criteria provided, single submitter. Criteria: Invitae Variant Classification Sherloc (09022015). Collection method: clinical testing. Allele origin: germline.

Blueprint Genetics
Classification: Likely benign. Last evaluated: 2024-11-27. Review status: criteria provided, single submitter. Criteria: ACMG Guidelines, 2015. Collection method: clinical testing. Allele origin: germline.

Genome-Nilou Lab
Classification: Benign for Alopecia universalis congenita. Last evaluated: 2021-08-10. Review status: criteria provided, single submitter. Criteria: ACMG Guidelines, 2015. Collection method: clinical testing. Allele origin: germline. Affected: no.

Genome-Nilou Lab
Classification: Benign for Atrichia with papular lesions. Last evaluated: 2021-08-10. Review status: criteria provided, single submitter. Criteria: ACMG Guidelines, 2015. Collection method: clinical testing. Allele origin: germline. Affected: no.

GeneDx
Classification: Benign. Last evaluated: 2018-11-12. Review status: criteria provided, single submitter. Criteria: GeneDx Variant Classification Process June 2021. Collection method: clinical testing. Allele origin: germline. Affected: yes.

Illumina Laboratory Services, Illumina
Classification: Benign for Atrichia with papular lesions. Last evaluated: 2018-01-13. Review status: criteria provided, single submitter. Criteria: ICSL Variant Classification Criteria 13 December 2019. Collection method: clinical testing. Allele origin: germline.
Comment: This variant was observed in the ICSL laboratory as part of a predisposition screen in an ostensibly healthy population. It had not been previously curated by ICSL or reported in the Human Gene Mutation Database (HGMD: prior to June 1st, 2018), and was therefore a candidate for classification through an automated scoring system. Utilizing variant allele frequency, disease prevalence and penetrance estimates, and inheritance mode, an automated score was calculated to assess if this variant is too frequent to cause the disease. Based on the score and internal cut-off values, a variant classified as benign is not then subjected to further curation. The score for this variant resulted in a classification of benign for this disease.

Illumina Laboratory Services, Illumina
Classification: Benign for Alopecia universalis congenita. Last evaluated: 2018-01-13. Review status: criteria provided, single submitter. Criteria: ICSL Variant Classification Criteria 13 December 2019. Collection method: clinical testing. Allele origin: germline.
Comment: the same text as in the submission from Illumina Laboratory Services, Illumina above.

Breakthrough Genomics
Classification: Benign. Review status: criteria provided, single submitter. Criteria: ACMG Guidelines, 2015. Collection method: not provided. Allele origin: germline. Inheritance: Autosomal recessive inheritance. Affected: yes.